The following is an entry in ClinVar:

ClinVar aggregate classification (germline): Likely pathogenic (1 of 4 stars; one submission).

Conditions:
Intellectual developmental disorder with speech delay, autism, and dysmorphic facies. Identifiers: MedGen C5231456, MONDO:0032864, OMIM 618672.

Submission:

Cytogenetique et Genetique Moleculaire, CHU Besancon
Classification: Likely pathogenic for Intellectual developmental disorder with speech delay, autism, and dysmorphic facies. Last evaluated: 2023-08-13. Review status: criteria provided, single submitter. Criteria: ACMG Guidelines, 2015. Collection method: clinical testing. Allele origin: germline. Affected: yes.
Comment: The NM_014516.4:c.25G>C variant is a missense variant in a gene with low rate of benign missense mutations and for which missense mutation is a common mechanism of a disease (Missense Z-score =3,78) (PP2). This variant is predicted to result in a alteration of consensus splice site (Spip and Splice AI)(PP3). This variant is not present in gnomAD v4.1.0 (PM2). In summary, this variant meets criteria to be classified as likely pathogenic for CNOT3-related neurodevelopmental disorders based on the ACMG/AMP criteria applied (PM2 PM6 PP2 PP3).

NM_014516.4(CNOT3):c.25G>C (p.Gly9Arg)

Gene: CNOT3 (CCR4-NOT transcription complex subunit 3; plus strand). Cytogenetic location: 19q13.42.
Variant type: single nucleotide variant.
Coding change: c.25G>C on transcript NM_014516.4 (MANE Select); coding-DNA position 25, G replaced by C.
Protein change: p.Gly9Arg; replaces glycine 9 with arginine.
Molecular consequence: missense variant.
Genome position (GRCh38, 1-based): chr19:54,143,003, G>C. VCF-style: chr19-54143003-G-C. GRCh37 (hg19) VCF-style: chr19-54646739-G-C.
Other names: short protein forms G9R.
Identifiers: ClinVar variation 3387804 (VCV003387804.1).